The following is an entry in ClinVar:

NM_015693.4(INTU):c.2588A>G (p.His863Arg)

Gene: INTU (inturned planar cell polarity protein; plus strand). Cytogenetic location: 4q28.1.
Variant type: single nucleotide variant.
Coding change: c.2588A>G on transcript NM_015693.4 (MANE Select); coding-DNA position 2588, A replaced by G.
Protein change: p.His863Arg; replaces histidine 863 with arginine.
Molecular consequence: missense variant.
Genome position (GRCh38, 1-based): chr4:127,713,964, A>G. VCF-style: chr4-127713964-A-G. GRCh37 (hg19) VCF-style: chr4-128635119-A-G.
Other names: short protein forms H863R.
Identifiers: ClinVar variation 2280361 (VCV002280361.5), dbSNP rs533761290, ClinGen allele CA3075371.

ClinVar aggregate classification (germline): Conflicting classifications of pathogenicity. Review status: criteria provided, conflicting classifications (1 of 4 stars). 2 submissions from 2 submitters: Uncertain significance (1); Likely benign (1). Last evaluated 2025-10-01.

Conditions:
Inborn genetic diseases. Identifiers: MedGen C0950123, MeSH D030342.

Allele frequency attached by ClinVar (database versions not stated): 1000 Genomes Project 30x 0.00016; 1000 Genomes Project 0.00020; gnomAD 0.00003; gnomAD exomes 0.00004; ExAC 0.00009.
gnomAD v4.1: 54 of 1,611,384 alleles (0.0034%); highest among the groups gnomAD compares: South Asian, 0.055%; no homozygotes.

Submissions (2):

Labcorp Genetics (formerly Invitae), Labcorp
Classification: Uncertain significance. Last evaluated: 2025-10-01. Review status: criteria provided, single submitter. Criteria: Invitae Variant Classification Sherloc (09022015). Collection method: clinical testing. Allele origin: germline.
Comment: This sequence change replaces histidine, which is basic and polar, with arginine, which is basic and polar, at codon 863 of the INTU protein (p.His863Arg). This variant is present in population databases (rs533761290, gnomAD 0.06%), and has an allele count higher than expected for a pathogenic variant. This variant has not been reported in the literature in individuals affected with INTU-related conditions. ClinVar contains an entry for this variant (Variation ID: 2280361). Invitae Evidence Modeling of protein sequence and biophysical properties (such as structural, functional, and spatial information, amino acid conservation, physicochemical variation, residue mobility, and thermodynamic stability) indicates that this missense variant is not expected to disrupt INTU protein function with a negative predictive value of 80%. In summary, the available evidence is currently insufficient to determine the role of this variant in disease. Therefore, it has been classified as a Variant of Uncertain Significance.

Ambry Genetics
Classification: Likely benign for Inborn genetic diseases. Last evaluated: 2022-03-29. Review status: criteria provided, single submitter. Criteria: Ambry Variant Classification Scheme 2023. Collection method: clinical testing. Allele origin: germline.